The following is an entry in ClinVar:

ClinVar aggregate classification (germline): Uncertain significance. Review status: criteria provided, multiple submitters, no conflicts (2 of 4 stars). 2 submissions from 2 submitters: Uncertain significance (2). Last evaluated 2025-12-17.

Conditions:
Aicardi-Goutieres syndrome 2. Identifiers: Orphanet 51, MedGen C3489724, MONDO:0012429, OMIM 610181.
Inborn genetic diseases. Identifiers: MedGen C0950123, MeSH D030342.

Allele frequency attached by ClinVar (database versions not stated): gnomAD exomes below 0.00001; ExAC 0.00001; gnomAD 0.00001; 1000 Genomes Project 0.00020; 1000 Genomes Project 30x 0.00031.
gnomAD v4.1: 1 of 1,610,694 alleles (0.000062%); highest among the groups gnomAD compares: Admixed American, 0.0017%; no homozygotes.

Submissions (2):

Ambry Genetics
Classification: Uncertain significance for Inborn genetic diseases. Last evaluated: 2025-12-17. Review status: criteria provided, single submitter. Criteria: Ambry Variant Classification Scheme 2023. Collection method: clinical testing. Allele origin: germline.

Labcorp Genetics (formerly Invitae), Labcorp
Classification: Uncertain significance for Aicardi-Goutieres syndrome 2. Last evaluated: 2022-06-04. Review status: criteria provided, single submitter. Criteria: Invitae Variant Classification Sherloc (09022015). Collection method: clinical testing. Allele origin: germline.
Comment: This sequence change replaces histidine, which is basic and polar, with arginine, which is basic and polar, at codon 213 of the RNASEH2B protein (p.His213Arg). This variant is not present in population databases (gnomAD no frequency). This variant has not been reported in the literature in individuals affected with RNASEH2B-related conditions. ClinVar contains an entry for this variant (Variation ID: 1483749). Algorithms developed to predict the effect of missense changes on protein structure and function are either unavailable or do not agree on the potential impact of this missense change (SIFT: "Tolerated"; PolyPhen-2: "Possibly Damaging"; Align-GVGD: "Class C0"). In summary, the available evidence is currently insufficient to determine the role of this variant in disease. Therefore, it has been classified as a Variant of Uncertain Significance.

NM_024570.4(RNASEH2B):c.638A>G (p.His213Arg)

Gene: RNASEH2B (ribonuclease H2 subunit B; plus strand). Cytogenetic location: 13q14.3.
Variant type: single nucleotide variant.
Coding change: c.638A>G on transcript NM_024570.4 (MANE Select); coding-DNA position 638, A replaced by G.
Protein change: p.His213Arg; replaces histidine 213 with arginine.
Molecular consequence: missense variant.
Genome position (GRCh38, 1-based): chr13:50,948,008, A>G. VCF-style: chr13-50948008-A-G. GRCh37 (hg19) VCF-style: chr13-51522144-A-G.
Other names: c.638A>G, p.His213Arg (NM_001142279.2); c.638A>G (NM_024570.3); short protein forms H213R.
Identifiers: ClinVar variation 1483749 (VCV001483749.4), dbSNP rs200648780, ClinGen allele CA6985653.